The following is an entry in ClinVar:

ClinVar aggregate classification (germline): Likely pathogenic (1 of 4 stars; one submission).

Conditions:
Breast-ovarian cancer, familial, susceptibility to, 4. Identifiers: Orphanet 145, MedGen C3280345, MONDO:0013669, OMIM 614291.

Submission:

Labcorp Genetics (formerly Invitae), Labcorp
Classification: Likely pathogenic for Breast-ovarian cancer, familial, susceptibility to, 4. Last evaluated: 2023-03-21. Review status: criteria provided, single submitter. Criteria: Invitae Variant Classification Sherloc (09022015). Collection method: clinical testing. Allele origin: germline.
Comment: In summary, the currently available evidence indicates that the variant is pathogenic, but additional data are needed to prove that conclusively. Therefore, this variant has been classified as Likely Pathogenic. This variant disrupts a region of the RAD51D protein in which other variant(s) (p.Ala296Profs*14) have been determined to be pathogenic (PMID: 10749867, 14704354, 19327148, 21111057). This suggests that this is a clinically significant region of the protein, and that variants that disrupt it are likely to be disease-causing. This variant has not been reported in the literature in individuals affected with RAD51D-related conditions. This variant is not present in population databases (gnomAD no frequency). This sequence change creates a premature translational stop signal (p.Gly289Argfs*38) in the RAD51D gene. While this is not anticipated to result in nonsense mediated decay, it is expected to disrupt the last 40 amino acid(s) of the RAD51D protein.

Literature cited by the submitters: PubMed 10749867; PubMed 14704354; PubMed 19327148; PubMed 21111057.

NM_002878.4(RAD51D):c.864dup (p.Gly289fs)

Genes: RAD51L3-RFFL (RAD51L3-RFFL readthrough; minus strand), RAD51D (RAD51 paralog D; minus strand). Cytogenetic location: 17q12.
Variant type: Duplication.
Coding change: c.864dup on transcript NM_002878.4 (MANE Select); coding-DNA position 864, one base duplicated (C; older notation c.864dupC).
Protein change: p.Gly289fs; shifts the reading frame from glycine 289.
Molecular consequence: frameshift variant. On other transcripts: non-coding transcript variant (3).
Genome position (GRCh38, 1-based): chr17:35,101,240, G duplicated on the plus strand (C on the coding strand, the reverse complement: RAD51D is on the minus strand). VCF-style (leftmost placement, unchanged base first): chr17-35101239-C-CG. GRCh37 (hg19) VCF-style: chr17-33428258-C-CG.
Other names: c.924dup, p.Gly309fs (NM_001142571.2); c.528dup, p.Gly177fs (NM_133629.3); short protein forms G289fs, G177fs, G309fs.
Identifiers: ClinVar variation 2848347 (VCV002848347.3), dbSNP rs2509124456, ClinGen allele CA2739267492.
Genomic context (GRCh38, chr17:35,101,239, plus strand): 5'-CATCTTCCTGGGGCTGGCTCACCTGTCGGGAAGATTTGGCCAGACACGCCATGCGCCGGC[C>CG]GCCTGATGCTCCTGCTCCCTCGATGGTGTCCAGGAGAATCCGAGTGCTGGGCACAAAGCT-3'